The following is an entry in ClinVar:

ClinVar aggregate classification (germline): Uncertain significance (1 of 4 stars; one submission).

Conditions:
Fanconi anemia (FA). Also called: Fanconi's anemia. Identifiers: Orphanet 84, MedGen C0015625, MeSH D005199, MONDO:0019391.

Submission:

Labcorp Genetics (formerly Invitae), Labcorp
Classification: Uncertain significance for Fanconi anemia. Last evaluated: 2024-10-15. Review status: criteria provided, single submitter. Criteria: Invitae Variant Classification Sherloc (09022015). Collection method: clinical testing. Allele origin: germline.
Comment: This sequence change replaces serine, which is neutral and polar, with threonine, which is neutral and polar, at codon 15 of the FANCM protein (p.Ser15Thr). This variant is not present in population databases (gnomAD no frequency). This variant has not been reported in the literature in individuals affected with FANCM-related conditions. An algorithm developed to predict the effect of missense changes on protein structure and function (PolyPhen-2) suggests that this variant is likely to be tolerated. In summary, the available evidence is currently insufficient to determine the role of this variant in disease. Therefore, it has been classified as a Variant of Uncertain Significance.

NM_020937.4(FANCM):c.44G>C (p.Ser15Thr)

Gene: FANCM (FA complementation group M; plus strand). Cytogenetic location: 14q21.2.
Variant type: single nucleotide variant.
Coding change: c.44G>C on transcript NM_020937.4 (MANE Select); coding-DNA position 44, G replaced by C.
Protein change: p.Ser15Thr; replaces serine 15 with threonine.
Molecular consequence: missense variant.
Genome position (GRCh38, 1-based): chr14:45,136,075, G>C. VCF-style: chr14-45136075-G-C. GRCh37 (hg19) VCF-style: chr14-45605278-G-C.
Other names: c.44G>C, p.Ser15Thr (NM_001308133.2, NM_001308134.2); short protein forms S15T.
Identifiers: ClinVar variation 3718405 (VCV003718405.2).